The following is an entry in ClinVar:

ClinVar aggregate classification (germline): Uncertain significance. Review status: criteria provided, multiple submitters, no conflicts (2 of 4 stars). 5 submissions from 5 submitters: Uncertain significance (5). Last evaluated 2025-05-05.

Conditions:
Mitochondrial complex I deficiency, nuclear type 1. Also called: NADH-COENZYME Q REDUCTASE DEFICIENCY; MITOCHONDRIAL NADH DEHYDROGENASE COMPONENT OF COMPLEX I, DEFICIENCY OF. Identifiers: MedGen C6022305, MONDO:0100224, OMIM 252010.
Inborn genetic diseases. Identifiers: MedGen C0950123, MeSH D030342.

Allele frequency attached by ClinVar (database versions not stated): gnomAD 0.00024; ExAC 0.00026; TOPMed 0.00026; gnomAD exomes 0.00029 and 0.00037; 1000 Genomes Project 0.00060; 1000 Genomes Project 30x 0.00062.

Submissions (5):

GeneDx
Classification: Uncertain significance. Last evaluated: 2025-05-05. Review status: criteria provided, single submitter. Criteria: GeneDx Variant Classification Process June 2021. Collection method: clinical testing. Allele origin: germline. Affected: yes.
Comment: Has not been previously published as pathogenic or benign to our knowledge; In silico analysis indicates that this missense variant does not alter protein structure/function

Labcorp Genetics (formerly Invitae), Labcorp
Classification: Uncertain significance. Last evaluated: 2024-01-24. Review status: criteria provided, single submitter. Criteria: Invitae Variant Classification Sherloc (09022015). Collection method: clinical testing. Allele origin: germline.
Comment: This sequence change replaces glutamine, which is neutral and polar, with arginine, which is basic and polar, at codon 129 of the NDUFAF3 protein (p.Gln129Arg). This variant is present in population databases (rs544277179, gnomAD 0.08%). This variant has not been reported in the literature in individuals affected with NDUFAF3-related conditions. ClinVar contains an entry for this variant (Variation ID: 345965). Algorithms developed to predict the effect of missense changes on protein structure and function output the following: SIFT: "Not Available"; PolyPhen-2: "Benign"; Align-GVGD: "Not Available". The arginine amino acid residue is found in multiple mammalian species, which suggests that this missense change does not adversely affect protein function. In summary, the available evidence is currently insufficient to determine the role of this variant in disease. Therefore, it has been classified as a Variant of Uncertain Significance.

Ambry Genetics
Classification: Uncertain significance for Inborn genetic diseases. Last evaluated: 2022-06-27. Review status: criteria provided, single submitter. Criteria: Ambry Variant Classification Scheme 2023. Collection method: clinical testing. Allele origin: germline.

Baylor Genetics
Classification: Uncertain significance for Mitochondrial complex I deficiency, nuclear type 1. Last evaluated: 2018-09-19. Review status: criteria provided, single submitter. Criteria: ACMG Guidelines, 2015. Collection method: clinical testing. Allele origin: unknown. Affected: yes.
Comment: This variant was determined to be of uncertain significance according to ACMG Guidelines, 2015 [PMID:25741868].

Illumina Laboratory Services, Illumina
Classification: Uncertain significance for Mitochondrial complex I deficiency, nuclear type 1. Last evaluated: 2018-01-13. Review status: criteria provided, single submitter. Criteria: ICSL Variant Classification Criteria 13 December 2019. Collection method: clinical testing. Allele origin: germline.

NM_199069.2(NDUFAF3):c.386A>G (p.Gln129Arg)

Gene: NDUFAF3 (NADH:ubiquinone oxidoreductase complex assembly factor 3; plus strand). Cytogenetic location: 3p21.31.
Variant type: single nucleotide variant.
Coding change: c.386A>G on transcript NM_199069.2 (MANE Select); coding-DNA position 386, A replaced by G.
Protein change: p.Gln129Arg; replaces glutamine 129 with arginine.
Molecular consequence: missense variant.
Genome position (GRCh38, 1-based): chr3:49,022,924, A>G. VCF-style: chr3-49022924-A-G. GRCh37 (hg19) VCF-style: chr3-49060357-A-G.
Other names: c.215A>G, p.Gln72Arg (NM_199070.2, NM_199073.2, NM_199074.2); short protein forms Q129R, Q72R.
Identifiers: ClinVar variation 345965 (VCV000345965.15), dbSNP rs544277179, ClinGen allele CA2390300.